The following is an entry in ClinVar:

NM_017739.4(POMGNT1):c.1413+6T>G

Genes: POMGNT1 (protein O-linked mannose N-acetylglucosaminyltransferase 1 (beta 1,2-); minus strand), TSPAN1 (tetraspanin 1; plus strand). Cytogenetic location: 1p34.1.
Variant type: single nucleotide variant.
Coding change: c.1413+6T>G on transcript NM_017739.4 (MANE Select); 6 bases into the intron after coding-DNA position 1413, T replaced by G.
Molecular consequence: intron variant.
Genome position (GRCh38, 1-based): chr1:46,192,302, A>C on the plus strand (T>G on the coding strand, the complement: POMGNT1 is on the minus strand). VCF-style: chr1-46192302-A-C. GRCh37 (hg19) VCF-style: chr1-46657974-A-C.
Other names: c.1413+6T>G (NM_001243766.2, NM_001438686.1, NM_001438688.1 and 3 more transcripts); c.1347+6T>G (NM_001290129.3, NM_001438691.1, NM_001438692.1); c.984+6T>G (NM_001290130.2).
Identifiers: ClinVar variation 989706 (VCV000989706.6), dbSNP rs1160554172, ClinGen allele CA736242227.
Genomic context (GRCh38, chr1:46,192,302, plus strand): 5'-GATGAAGGTTAAGATGTTTCGAGTTGGTAGGGGACTCCAGCCCCCTCACCCTACCCTGAC[A>C]GTTACCTTTTCCGGTGTAGGCCACTTGGGCTCAAGCTCCTCCTTGTACAAGGACCTCCTG-3'

ClinVar aggregate classification (germline): Uncertain significance. Review status: criteria provided, single submitter (1 of 4 stars). 2 submissions from 2 submitters: Uncertain significance (1). 1 of the submissions does not count toward it. Last evaluated 2022-05-18.

Conditions:
Autosomal recessive limb-girdle muscular dystrophy type 2O. Also called: MUSCULAR DYSTROPHY-DYSTROGLYCANOPATHY (LIMB-GIRDLE), TYPE C, 3; MUSCULAR DYSTROPHY-DYSTROGLYCANOPATHY, LIMB-GIRDLE, POMGNT1-RELATED; Limb-Girdle Muscular Dystrophy Type 3C. Identifiers: Orphanet 206564, MedGen C3150417, MONDO:0013161, OMIM 613157.
Muscular dystrophy-dystroglycanopathy (congenital with impaired intellectual development), type B, 3. Also called: Muscular dystrophy-dystroglycanopathy (congenital with intellectual disability), type B3; MUSCULAR DYSTROPHY, CONGENITAL, POMGNT1-RELATED. Identifiers: MedGen C3150412, MONDO:0013155, OMIM 613151.
Muscle eye brain disease (MEB). Also called: Santavuori congenital muscular dystrophy. Identifiers: Orphanet 588, Orphanet 899, MedGen C0457133, MONDO:0018939.

Allele frequency attached by ClinVar (database versions not stated): gnomAD exomes 0.00001; TOPMed 0.00001.
gnomAD v4.1: 17 of 1,614,038 alleles (0.0011%); highest among the groups gnomAD compares: Non-Finnish European, 0.0014%; no homozygotes.

Submissions (2):

Labcorp Genetics (formerly Invitae), Labcorp
Classification: Uncertain significance for Autosomal recessive limb-girdle muscular dystrophy type 2O; Muscular dystrophy-dystroglycanopathy (congenital with impaired intellectual development), type B, 3. Last evaluated: 2022-05-18. Review status: criteria provided, single submitter. Criteria: Invitae Variant Classification Sherloc (09022015). Collection method: clinical testing. Allele origin: germline.
Comment: This sequence change falls in intron 16 of the POMGNT1 gene. It does not directly change the encoded amino acid sequence of the POMGNT1 protein. It affects a nucleotide within the consensus splice site. This variant is not present in population databases (gnomAD no frequency). This variant has not been reported in the literature in individuals affected with POMGNT1-related conditions. ClinVar contains an entry for this variant (Variation ID: 989706). Variants that disrupt the consensus splice site are a relatively common cause of aberrant splicing (PMID: 17576681, 9536098). Algorithms developed to predict the effect of sequence changes on RNA splicing suggest that this variant is not likely to affect RNA splicing. In summary, the available evidence is currently insufficient to determine the role of this variant in disease. Therefore, it has been classified as a Variant of Uncertain Significance.

Natera, Inc.
Classification: Uncertain significance for Muscle-eye-brain disease. Last evaluated: 2020-08-15. Review status: no assertion criteria provided. Collection method: clinical testing. Allele origin: germline. Not counted in ClinVar's aggregate classification.

Literature cited by the submitters: PubMed 17576681 (cited by Labcorp Genetics (formerly Invitae), Labcorp); PubMed 9536098 (cited by Labcorp Genetics (formerly Invitae), Labcorp).